The following is an entry in ClinVar:

ClinVar aggregate classification (germline): Benign. Review status: criteria provided, multiple submitters, no conflicts (2 of 4 stars). 3 submissions from 3 submitters: Benign (2). 1 of the submissions does not count toward it. Last evaluated 2026-01-21.

Conditions:
LAMA5-related disorder. Also called: LAMA5-related condition; LAMA5-Related Disorders.

Allele frequency attached by ClinVar (database versions not stated): gnomAD exomes 0.00071 and 0.00170; ExAC 0.00208; 1000 Genomes Project 0.00539; gnomAD 0.00547; 1000 Genomes Project 30x 0.00640; TOPMed 0.00650; ESP Exome Variant Server 0.00736.
gnomAD v4.1: 1,938 of 1,610,588 alleles (0.12%); highest among the groups gnomAD compares: African/African-American, 2%; 13 homozygotes.

Submissions (3):

Labcorp Genetics (formerly Invitae), Labcorp
Classification: Benign. Last evaluated: 2026-01-21. Review status: criteria provided, single submitter. Criteria: Invitae Variant Classification Sherloc (09022015). Collection method: clinical testing. Allele origin: germline.

Breakthrough Genomics
Classification: Benign. Review status: criteria provided, single submitter. Criteria: ACMG Guidelines, 2015. Collection method: not provided. Allele origin: germline. Inheritance: Autosomal recessive inheritance. Affected: yes.

PreventionGenetics, part of Exact Sciences
Classification: Benign for LAMA5-related condition. Last evaluated: 2019-04-12. Review status: no assertion criteria provided. Collection method: clinical testing. Allele origin: germline. Not counted in ClinVar's aggregate classification.
Comment: This variant is classified as benign based on ACMG/AMP sequence variant interpretation guidelines (Richards et al. 2015 PMID: 25741868, with internal and published modifications).

NM_005560.6(LAMA5):c.7118G>A (p.Arg2373Gln)

Gene: LAMA5 (laminin subunit alpha 5; minus strand). Cytogenetic location: 20q13.33.
Variant type: single nucleotide variant.
Coding change: c.7118G>A on transcript NM_005560.6 (MANE Select); coding-DNA position 7118, G replaced by A.
Protein change: p.Arg2373Gln; replaces arginine 2373 with glutamine.
Molecular consequence: missense variant.
Genome position (GRCh38, 1-based): chr20:62,318,575, C>T on the plus strand (G>A on the coding strand, the complement: LAMA5 is on the minus strand). VCF-style: chr20-62318575-C-T. GRCh37 (hg19) VCF-style: chr20-60893631-C-T.
Other names: short protein forms R2373Q.
Identifiers: ClinVar variation 791212 (VCV000791212.12), dbSNP rs148907937, ClinGen allele CA9941414.